The following is an entry in ClinVar:

NM_003239.5(TGFB3):c.77C>G (p.Thr26Ser)

Gene: TGFB3 (transforming growth factor beta 3; minus strand). Cytogenetic location: 14q24.3.
Variant type: single nucleotide variant.
Coding change: c.77C>G on transcript NM_003239.5 (MANE Select); coding-DNA position 77, C replaced by G.
Protein change: p.Thr26Ser; replaces threonine 26 with serine.
Molecular consequence: missense variant.
Genome position (GRCh38, 1-based): chr14:75,980,817, G>C on the plus strand (C>G on the coding strand, the complement: TGFB3 is on the minus strand). VCF-style: chr14-75980817-G-C. GRCh37 (hg19) VCF-style: chr14-76447160-G-C.
Other names: c.77C>G, p.Thr26Ser (NM_001329938.2, NM_001329939.2); short protein forms T26S.
Identifiers: ClinVar variation 392089 (VCV000392089.50), dbSNP rs771543236, ClinGen allele CA7280523.

ClinVar aggregate classification (germline): Uncertain significance. Review status: criteria provided, multiple submitters, no conflicts (2 of 4 stars). 5 submissions from 5 submitters: Uncertain significance (5). Last evaluated 2025-12-15.

Conditions:
Familial thoracic aortic aneurysm and aortic dissection (TAAD). Also called: Thoracic aortic aneurysms and dissections. Identifiers: Orphanet 91387, MedGen C4707243, MONDO:0019625.
Rienhoff syndrome. Also called: LOEYS-DIETZ SYNDROME 5. Identifiers: MedGen C3810012, MONDO:0014262, OMIM 615582.
Arrhythmogenic right ventricular dysplasia 1. Identifiers: Orphanet 3403, MedGen C1862511, MONDO:0007152, OMIM 107970.

Allele frequency attached by ClinVar (database versions not stated): gnomAD exomes below 0.00001; TOPMed below 0.00001; ExAC 0.00001; gnomAD 0.00001.
gnomAD v4.1: 3 of 1,614,064 alleles (0.00019%); highest among the groups gnomAD compares: Non-Finnish European, 0.00025%; no homozygotes.

Submissions (5):

Labcorp Genetics (formerly Invitae), Labcorp
Classification: Uncertain significance for Rienhoff syndrome. Last evaluated: 2025-12-15. Review status: criteria provided, single submitter. Criteria: Invitae Variant Classification Sherloc (09022015). Collection method: clinical testing. Allele origin: germline.
Comment: This sequence change replaces threonine, which is neutral and polar, with serine, which is neutral and polar, at codon 26 of the TGFB3 protein (p.Thr26Ser). This variant is present in population databases (rs771543236, gnomAD 0.002%). This missense change has been observed in individuals with clinical features of TGFB3-related conditions (internal data). ClinVar contains an entry for this variant (Variation ID: 392089). An algorithm developed to predict the effect of missense changes on protein structure and function (PolyPhen-2) suggests that this variant is likely to be tolerated. In summary, the available evidence is currently insufficient to determine the role of this variant in disease. Therefore, it has been classified as a Variant of Uncertain Significance.

Ambry Genetics
Classification: Uncertain significance for Familial thoracic aortic aneurysm and aortic dissection. Last evaluated: 2025-08-28. Review status: criteria provided, single submitter. Criteria: Ambry Variant Classification Scheme 2023. Collection method: clinical testing. Allele origin: germline.

Fulgent Genetics
Classification: Uncertain significance for Arrhythmogenic right ventricular dysplasia 1; Rienhoff syndrome. Last evaluated: 2021-07-26. Review status: criteria provided, single submitter. Criteria: ACMG Guidelines, 2015. Collection method: clinical testing. Allele origin: unknown.

GeneDx
Classification: Uncertain significance. Last evaluated: 2017-01-12. Review status: criteria provided, single submitter. Criteria: GeneDx Variant Classification (06012015). Collection method: clinical testing. Allele origin: germline. Affected: yes.
Comment: The T26S variant in the TGFB3 gene has not been reported previously as a pathogenic variant, nor as a benign variant, to our knowledge. The T26S variant was not observed in approximately 6500 individuals of European and African American ancestry in the NHLBI Exome Sequencing Project, indicating it is not a common benign variant in these populations. The T26S variant is a conservative amino acid substitution, which is not likely to impact secondary protein structure as these residues share similar properties. This substitution occurs at a position that is conserved across species. In silico analysis predicts this variant is probably damaging to the protein structure/function. We interpret T26S as a variant of uncertain significance, which may be related to the reported arrhythmia in this individual.

CeGaT Center for Human Genetics Tuebingen
Classification: Uncertain significance. Last evaluated: 2016-09-01. Review status: criteria provided, single submitter. Criteria: CeGaT Center For Human Genetics Tuebingen Variant Classification Criteria Version 2. Collection method: clinical testing. Allele origin: germline. Affected: yes. Observed: 1 variant allele.